The following is an entry in ClinVar:

NM_007294.4(BRCA1):c.397C>A (p.Arg133Ser)

Gene: BRCA1 (BRCA1 DNA repair associated; minus strand). Cytogenetic location: 17q21.31.
Variant type: single nucleotide variant.
Coding change: c.397C>A on transcript NM_007294.4 (MANE Select); coding-DNA position 397, C replaced by A.
Protein change: p.Arg133Ser; replaces arginine 133 with serine.
Molecular consequence: missense variant. On other transcripts: non-coding transcript variant (1).
Genome position (GRCh38, 1-based): chr17:43,104,166, G>T on the plus strand (C>A on the coding strand, the complement: BRCA1 is on the minus strand). VCF-style: chr17-43104166-G-T. GRCh37 (hg19) VCF-style: chr17-41256183-G-T.
Other names: N132K; 516C>A; c.187C>A, p.Arg63Ser (NM_001407907.1, NM_001407908.1, NM_001407909.1 and 58 more transcripts); c.397C>A, p.Arg133Ser (NM_001407919.1, NM_001407937.1, NM_001407938.1 and 165 more transcripts); c.256C>A, p.Arg86Ser (NM_001407920.1, NM_001407921.1, NM_001407922.1 and 99 more transcripts); c.16C>A, p.Arg6Ser (NM_001407959.1, NM_001407960.1, NM_001407962.1 and 4 more transcripts); c.388C>A, p.Arg130Ser (NM_001408408.1, NM_001407646.1, NM_001407647.1); c.319C>A, p.Arg107Ser (NM_001408409.1, NM_001408411.1, NM_001408412.1 and 21 more transcripts); and 1 more; short protein forms R133S, R86S, R89S, R107S, R63S, R6S, R130S.
Identifiers: ClinVar variation 91619 (VCV000091619.4), dbSNP rs80357457, ClinGen allele CA002550.

ClinVar aggregate classification (germline): Uncertain significance. Review status: criteria provided, single submitter (1 of 4 stars). 2 submissions from 2 submitters: Uncertain significance (1). 1 of the submissions does not count toward it. Last evaluated 2026-01-21.

Conditions:
Breast-ovarian cancer, familial, susceptibility to, 1 (BROVCA1). Also called: BRCA1 Hereditary Breast and Ovarian Cancer; OVARIAN CANCER, SUSCEPTIBILITY TO. Identifiers: Orphanet 145, MedGen C2676676, MONDO:0011450, OMIM 604370. Disease mechanism: loss of function.
Hereditary cancer-predisposing syndrome. Also called: Hereditary Cancer Syndrome; Hereditary neoplastic syndrome; Neoplastic Syndromes, Hereditary; Tumor predisposition. Identifiers: Orphanet 140162, MedGen C0027672, MeSH D009386, MONDO:0015356.

gnomAD v4.1: 1 of 1,613,924 alleles (0.000062%); highest among the groups gnomAD compares: South Asian, 0.0011%; no homozygotes.

Submissions (2):

Ambry Genetics
Classification: Uncertain significance for Hereditary cancer-predisposing syndrome. Last evaluated: 2026-01-21. Review status: criteria provided, single submitter. Criteria: Ambry Variant Classification Scheme 2023. Collection method: clinical testing. Allele origin: germline.
Comment: The p.R133S variant (also known as c.397C>A), located in coding exon 5 of the BRCA1 gene, results from a C to A substitution at nucleotide position 397. The arginine at codon 133 is replaced by serine, an amino acid with dissimilar properties. This amino acid position is highly conserved in available vertebrate species. In addition, this alteration is predicted to be deleterious by in silico analysis. Based on the available evidence, the clinical significance of this variant remains unclear.

Sharing Clinical Reports Project (SCRP)
Classification: Likely benign for Breast-ovarian cancer, familial 1. Last evaluated: 2008-11-13. Review status: no assertion criteria provided. Collection method: clinical testing. Allele origin: germline. Not counted in ClinVar's aggregate classification.